The following is an entry in ClinVar:

NM_000135.4(FANCA):c.3932G>A (p.Ser1311Asn)

Genes: FANCA (FA complementation group A; minus strand), ZNF276 (zinc finger protein 276; plus strand). Cytogenetic location: 16q24.3.
Variant type: single nucleotide variant.
Coding change: c.3932G>A on transcript NM_000135.4 (MANE Select); coding-DNA position 3932, G replaced by A.
Protein change: p.Ser1311Asn; replaces serine 1311 with asparagine.
Molecular consequence: missense variant. On other transcripts: 3 prime UTR variant (2), non-coding transcript variant (4).
Genome position (GRCh38, 1-based): chr16:89,739,996, C>T on the plus strand (G>A on the coding strand, the complement: FANCA is on the minus strand). VCF-style: chr16-89739996-C-T. GRCh37 (hg19) VCF-style: chr16-89806404-C-T.
Other names: c.3932G>A, p.Ser1311Asn (NM_001286167.3); c.*1750C>T (NM_001113525.2, NM_152287.4); short protein forms S1311N.
Identifiers: ClinVar variation 1361962 (VCV001361962.6), dbSNP rs2062087829, ClinGen allele CA397484896.
Genomic context (GRCh38, chr16:89,739,996, plus strand): 5'-AAGATGCCTCTGAAAAGAGCGGCCCTCCGCATTTGTGCCTCAGCAGCGTGTTTCTTACCA[C>T]TCTCTGTCAACTGAAAGAGTGCCAGCCAGGATATCTTCCTCTTCTCTAAACACTCGAGGA-3'
Protein context (NP_000126.2, residues 1301-1321): SWLALFQLTE[Ser1311Asn]DLRLGRLLLR

ClinVar aggregate classification (germline): Uncertain significance. Review status: criteria provided, multiple submitters, no conflicts (2 of 4 stars). 2 submissions from 2 submitters: Uncertain significance (2). Last evaluated 2025-05-31.

Conditions:
Inborn genetic diseases. Identifiers: MedGen C0950123, MeSH D030342.
Fanconi anemia (FA). Also called: Fanconi's anemia. Identifiers: Orphanet 84, MedGen C0015625, MeSH D005199, MONDO:0019391.

Submissions (2):

Ambry Genetics
Classification: Uncertain significance for Inborn genetic diseases. Last evaluated: 2025-05-31. Review status: criteria provided, single submitter. Criteria: Ambry Variant Classification Scheme 2023. Collection method: clinical testing. Allele origin: germline.
Comment: The p.S1311N variant (also known as c.3932G>A), located in coding exon 39 of the FANCA gene, results from a G to A substitution at nucleotide position 3932. The serine at codon 1311 is replaced by asparagine, an amino acid with highly similar properties. This amino acid position is conserved. In addition, this alteration is predicted to be tolerated by in silico analysis. Based on the available evidence, the clinical significance of this variant remains unclear.

Labcorp Genetics (formerly Invitae), Labcorp
Classification: Uncertain significance for Fanconi anemia. Last evaluated: 2021-08-28. Review status: criteria provided, single submitter. Criteria: Invitae Variant Classification Sherloc (09022015). Collection method: clinical testing. Allele origin: germline.
Comment: This sequence change replaces serine with asparagine at codon 1311 of the FANCA protein (p.Ser1311Asn). The serine residue is weakly conserved and there is a small physicochemical difference between serine and asparagine. This variant is not present in population databases (ExAC no frequency). This variant has not been reported in the literature in individuals affected with FANCA-related conditions. Algorithms developed to predict the effect of missense changes on protein structure and function are either unavailable or do not agree on the potential impact of this missense change (SIFT: "Tolerated"; PolyPhen-2: "Possibly Damaging"; Align-GVGD: "Class C0"). In summary, the available evidence is currently insufficient to determine the role of this variant in disease. Therefore, it has been classified as a Variant of Uncertain Significance.